The following is an entry in ClinVar:

NM_002474.3(MYH11):c.2926G>A (p.Ala976Thr)

Gene: MYH11 (myosin heavy chain 11; minus strand). Cytogenetic location: 16p13.11.
Variant type: single nucleotide variant.
Coding change: c.2926G>A on transcript NM_002474.3 (MANE Select); coding-DNA position 2926, G replaced by A.
Protein change: p.Ala976Thr; replaces alanine 976 with threonine.
Molecular consequence: missense variant.
Genome position (GRCh38, 1-based): chr16:15,740,122, C>T on the plus strand (G>A on the coding strand, the complement: MYH11 is on the minus strand). VCF-style: chr16-15740122-C-T. GRCh37 (hg19) VCF-style: chr16-15833979-C-T.
Other names: c.2947G>A, p.Ala983Thr (NM_001040113.2, NM_001040114.2); c.2926G>A, p.Ala976Thr (NM_022844.3); short protein forms A976T, A983T.
Identifiers: ClinVar variation 3073281 (VCV003073281.2), dbSNP rs2506198124, ClinGen allele CA394864730.

ClinVar aggregate classification (germline): Uncertain significance (1 of 4 stars; one submission).

Conditions:
Familial thoracic aortic aneurysm and aortic dissection (TAAD). Also called: Thoracic aortic aneurysms and dissections. Identifiers: Orphanet 91387, MedGen C4707243, MONDO:0019625.

Submission:

All of Us Research Program, National Institutes of Health
Classification: Uncertain significance for Familial thoracic aortic aneurysm and aortic dissection. Last evaluated: 2024-09-23. Review status: criteria provided, single submitter. Criteria: ACMG Guidelines, 2015. Collection method: clinical testing. Allele origin: germline. Inheritance: Autosomal dominant inheritance. Observed: 2 variant alleles, 2 heterozygotes.
Comment: This missense variant replaces alanine with threonine at codon 983 of the MYH11 protein. Computational prediction suggests that this variant may not impact protein structure and function (internally defined REVEL score threshold <= 0.5, PMID: 27666373). To our knowledge, functional studies have not been reported for this variant. This variant has not been reported in individuals affected with MYH11-related disorders in the literature. This variant has not been identified in the general population by the Genome Aggregation Database (gnomAD). The available evidence is insufficient to determine the role of this variant in disease conclusively. Therefore, this variant is classified as a Variant of Uncertain Significance.

This study involves interpretation of variants in research participants for the purpose of population health screening. Participant phenotype was not available at the time of variant classification. Additional details can be found in publication PMID: 35346344, PMCID: PMC8962531